The following is an entry in ClinVar:

NM_177438.3(DICER1):c.2658C>G (p.Asp886Glu)

Gene: DICER1 (dicer 1, ribonuclease III; minus strand). Cytogenetic location: 14q32.13.
Variant type: single nucleotide variant.
Coding change: c.2658C>G on transcript NM_177438.3 (MANE Select); coding-DNA position 2658, C replaced by G.
Protein change: p.Asp886Glu; replaces aspartic acid 886 with glutamic acid.
Molecular consequence: missense variant. On other transcripts: non-coding transcript variant (6).
Genome position (GRCh38, 1-based): chr14:95,107,754, G>C on the plus strand (C>G on the coding strand, the complement: DICER1 is on the minus strand). VCF-style: chr14-95107754-G-C. GRCh37 (hg19) VCF-style: chr14-95574091-G-C.
Other names: c.2658C>G, p.Asp886Glu (NM_001195573.1, NM_001271282.3, NM_001291628.2 and 13 more transcripts); c.2376C>G, p.Asp792Glu (NM_001395686.1); c.2253C>G, p.Asp751Glu (NM_001395687.1, NM_001395688.1, NM_001395689.1 and 2 more transcripts); c.2091C>G, p.Asp697Glu (NM_001395691.1); c.975C>G, p.Asp325Glu (NM_001395697.1); short protein forms D697E, D751E, D792E, D325E, D886E.
Identifiers: ClinVar variation 2717122 (VCV002717122.3), dbSNP rs771049445, ClinGen allele CA390880940.

ClinVar aggregate classification (germline): Uncertain significance (1 of 4 stars; one submission).

Conditions:
DICER1-related tumor predisposition. Also called: DICER1-related pleuropulmonary blastoma cancer predisposition syndrome; DICER1 syndrome. Identifiers: Orphanet 284343, MedGen C3839822, MONDO:0100216.

Submission:

Labcorp Genetics (formerly Invitae), Labcorp
Classification: Uncertain significance for DICER1-related tumor predisposition. Last evaluated: 2023-06-16. Review status: criteria provided, single submitter. Criteria: Invitae Variant Classification Sherloc (09022015). Collection method: clinical testing. Allele origin: germline.
Comment: In summary, the available evidence is currently insufficient to determine the role of this variant in disease. Therefore, it has been classified as a Variant of Uncertain Significance. Advanced modeling of protein sequence and biophysical properties (such as structural, functional, and spatial information, amino acid conservation, physicochemical variation, residue mobility, and thermodynamic stability) performed at Invitae indicates that this missense variant is not expected to disrupt DICER1 protein function. This variant has not been reported in the literature in individuals affected with DICER1-related conditions. This variant is not present in population databases (gnomAD no frequency). This sequence change replaces aspartic acid, which is acidic and polar, with glutamic acid, which is acidic and polar, at codon 886 of the DICER1 protein (p.Asp886Glu).